The following is an entry in ClinVar:

ClinVar aggregate classification (germline): Conflicting classifications of pathogenicity. Review status: criteria provided, conflicting classifications (1 of 4 stars). 3 submissions from 3 submitters: Uncertain significance (2); Likely benign (1). Last evaluated 2024-11-09.

Conditions:
Hereditary cancer-predisposing syndrome. Also called: Neoplastic Syndromes, Hereditary; Tumor predisposition; Hereditary Cancer Syndrome; Hereditary neoplastic syndrome. Identifiers: Orphanet 140162, MedGen C0027672, MeSH D009386, MONDO:0015356.
Familial cancer of breast. Also called: BREAST CANCER, FAMILIAL; hereditary breast carcinoma; Hereditary breast cancer. Identifiers: Orphanet 227535, MedGen C0346153, MONDO:0016419, OMIM 114480. Disease mechanism: loss of function.

Submissions (3):

Ambry Genetics
Classification: Likely benign for Hereditary cancer-predisposing syndrome. Last evaluated: 2024-11-09. Review status: criteria provided, single submitter. Criteria: Ambry Variant Classification Scheme 2023. Collection method: clinical testing. Allele origin: germline.

Labcorp Genetics (formerly Invitae), Labcorp
Classification: Uncertain significance for Familial cancer of breast. Last evaluated: 2021-06-05. Review status: criteria provided, single submitter. Criteria: Invitae Variant Classification Sherloc (09022015). Collection method: clinical testing. Allele origin: germline.
Comment: This sequence change replaces methionine with isoleucine at codon 46 of the CHEK2 protein (p.Met46Ile). The methionine residue is weakly conserved and there is a small physicochemical difference between methionine and isoleucine. This variant is not present in population databases (ExAC no frequency). This variant has not been reported in the literature in individuals with CHEK2-related disease. ClinVar contains an entry for this variant (Variation ID: 234137). Algorithms developed to predict the effect of missense changes on protein structure and function (SIFT, PolyPhen-2, Align-GVGD) all suggest that this variant is likely to be tolerated, but these predictions have not been confirmed by published functional studies and their clinical significance is uncertain. In summary, the available evidence is currently insufficient to determine the role of this variant in disease. Therefore, it has been classified as a Variant of Uncertain Significance.

Mendelics
Classification: Uncertain significance for Familial cancer of breast. Last evaluated: 2018-07-02. Review status: criteria provided, single submitter. Criteria: Mendelics Assertion Criteria 2017. Collection method: clinical testing. Allele origin: unknown.

Literature cited by the submitters: PubMed 32906215 (cited by Ambry Genetics).

NM_007194.4(CHEK2):c.138G>A (p.Met46Ile)

Gene: CHEK2 (checkpoint kinase 2; minus strand). Cytogenetic location: 22q12.1.
Variant type: single nucleotide variant.
Coding change: c.138G>A on transcript NM_007194.4 (MANE Select); coding-DNA position 138, G replaced by A.
Protein change: p.Met46Ile; replaces methionine 46 with isoleucine.
Molecular consequence: missense variant.
Genome position (GRCh38, 1-based): chr22:28,734,584, C>T on the plus strand (G>A on the coding strand, the complement: CHEK2 is on the minus strand). VCF-style: chr22-28734584-C-T. GRCh37 (hg19) VCF-style: chr22-29130572-C-T.
Other names: c.138G>A, p.Met46Ile (NM_001005735.3, NM_001349956.3, NM_145862.3); c.-640G>A (NM_001257387.3); short protein forms M46I.
Identifiers: ClinVar variation 234137 (VCV000234137.18), dbSNP rs876660873, ClinGen allele CA10581111.